The following is an entry in ClinVar:

ClinVar aggregate classification (germline): Uncertain significance (1 of 4 stars; one submission).

Conditions:
Progressive external ophthalmoplegia with mitochondrial DNA deletions, autosomal dominant 1 (PEOA1). Also called: PROGRESSIVE EXTERNAL OPHTHALMOPLEGIA, AUTOSOMAL DOMINANT 1; Autosomal Dominant Progressive External Ophthalmoplegia (adPEO). Identifiers: MedGen C1834846, MONDO:0024528, OMIM 157640.

Submission:

OLLIN Analises Genomicas, OLLIN
Classification: Uncertain significance for Progressive external ophthalmoplegia with mitochondrial DNA deletions, autosomal dominant 1. Last evaluated: 2026-08-06. Review status: criteria provided, single submitter. Criteria: ACMG Guidelines 2015 PMID 25741868. Collection method: clinical testing. Allele origin: germline. Inheritance: Autosomal recessive inheritance.
Comment: This missense variant, located in exon 12 (of 23), is absent from gnomAD and ClinVar and has not been identified in the literature. In silico analysis is inconclusive regarding the impact of this variant. According to the currently available evidence, this variant has been classified as uncertain significance (PM2_P).

NM_002693.3(POLG):c.2087A>T (p.Tyr696Phe)

Gene: POLG (DNA polymerase gamma, catalytic subunit; minus strand). Cytogenetic location: 15q26.1.
Variant type: single nucleotide variant.
Coding change: c.2087A>T on transcript NM_002693.3 (MANE Select); coding-DNA position 2087, A replaced by T.
Protein change: p.Tyr696Phe; replaces tyrosine 696 with phenylalanine.
Molecular consequence: missense variant.
Genome position (GRCh38, 1-based): chr15:89,323,885, T>A on the plus strand (A>T on the coding strand, the complement: POLG is on the minus strand). VCF-style: chr15-89323885-T-A. GRCh37 (hg19) VCF-style: chr15-89867116-T-A.
Other names: c.2087A>T, p.Tyr696Phe (NM_001126131.2); short protein forms Y696F.
Identifiers: ClinVar variation 5002910 (VCV005002910.1).